The following is an entry in ClinVar:

NM_001378183.1(PIEZO2):c.5109A>G (p.Ile1703Met)

Gene: PIEZO2 (piezo type mechanosensitive ion channel component 2; minus strand). Cytogenetic location: 18p11.22.
Variant type: single nucleotide variant.
Coding change: c.5109A>G on transcript NM_001378183.1 (MANE Select); coding-DNA position 5109, A replaced by G.
Protein change: p.Ile1703Met; replaces isoleucine 1703 with methionine.
Molecular consequence: missense variant.
Genome position (GRCh38, 1-based): chr18:10,715,797, T>C on the plus strand (A>G on the coding strand, the complement: PIEZO2 is on the minus strand). VCF-style: chr18-10715797-T-C. GRCh37 (hg19) VCF-style: chr18-10715795-T-C.
Other names: c.4935A>G, p.Ile1645Met (NM_022068.4); short protein forms I1645M, I1703M.
Identifiers: ClinVar variation 1303507 (VCV001303507.7), dbSNP rs376703258, ClinGen allele CA8892355.

ClinVar aggregate classification (germline): Uncertain significance. Review status: criteria provided, multiple submitters, no conflicts (2 of 4 stars). 3 submissions from 3 submitters: Uncertain significance (3). Last evaluated 2025-04-09.

Conditions:
Inborn genetic diseases. Identifiers: MedGen C0950123, MeSH D030342.

Allele frequency attached by ClinVar (database versions not stated): gnomAD exomes 0.00005 and 0.00013; ExAC 0.00006; TOPMed 0.00007; gnomAD 0.00008; 1000 Genomes Project 0.00020; ESP Exome Variant Server 0.00022; 1000 Genomes Project 30x 0.00031.
gnomAD v4.1: 193 of 1,530,274 alleles (0.013%); highest among the groups gnomAD compares: Non-Finnish European, 0.016%; no homozygotes.

Submissions (3):

Ambry Genetics
Classification: Uncertain significance for Inborn genetic diseases. Last evaluated: 2025-04-09. Review status: criteria provided, single submitter. Criteria: Ambry Variant Classification Scheme 2023. Collection method: clinical testing. Allele origin: germline.

Labcorp Genetics (formerly Invitae), Labcorp
Classification: Uncertain significance. Last evaluated: 2023-07-27. Review status: criteria provided, single submitter. Criteria: Invitae Variant Classification Sherloc (09022015). Collection method: clinical testing. Allele origin: germline.
Comment: In summary, the available evidence is currently insufficient to determine the role of this variant in disease. Therefore, it has been classified as a Variant of Uncertain Significance. Advanced modeling of protein sequence and biophysical properties (such as structural, functional, and spatial information, amino acid conservation, physicochemical variation, residue mobility, and thermodynamic stability) performed at Invitae indicates that this missense variant is not expected to disrupt PIEZO2 protein function. ClinVar contains an entry for this variant (Variation ID: 1303507). This variant has not been reported in the literature in individuals affected with PIEZO2-related conditions. This variant is present in population databases (rs376703258, gnomAD 0.02%). This sequence change replaces isoleucine, which is neutral and non-polar, with methionine, which is neutral and non-polar, at codon 1645 of the PIEZO2 protein (p.Ile1645Met).

GeneDx
Classification: Uncertain significance. Last evaluated: 2020-03-18. Review status: criteria provided, single submitter. Criteria: GeneDx Variant Classification Process June 2021. Collection method: clinical testing. Allele origin: germline. Affected: yes.
Comment: Has not been previously published as pathogenic or benign to our knowledge; In silico analysis supports that this missense variant does not alter protein structure/function